The following is an entry in ClinVar:

ClinVar aggregate classification (germline): Conflicting classifications of pathogenicity. Review status: criteria provided, conflicting classifications (1 of 4 stars). 4 submissions from 4 submitters: Uncertain significance (3); Likely benign (1). Last evaluated 2026-07-07.

Conditions:
Hereditary diffuse gastric adenocarcinoma (HDGC). Also called: DIFFUSE GASTRIC AND LOBULAR BREAST CANCER SYNDROME. Identifiers: Orphanet 26106, MedGen C1708349, MONDO:0007648, OMIM 137215.
Hereditary cancer-predisposing syndrome. Also called: Neoplastic Syndromes, Hereditary; Hereditary neoplastic syndrome; Hereditary Cancer Syndrome; Tumor predisposition. Identifiers: Orphanet 140162, MedGen C0027672, MeSH D009386, MONDO:0015356.

Allele frequency attached by ClinVar (database versions not stated): gnomAD exomes below 0.00001; ExAC 0.00001.
gnomAD v4.1: 4 of 1,614,204 alleles (0.00025%); highest among the groups gnomAD compares: South Asian, 0.0044%; no homozygotes.

Submissions (4):

Ambry Genetics
Classification: Likely benign for Hereditary cancer-predisposing syndrome. Last evaluated: 2026-07-07. Review status: criteria provided, single submitter. Criteria: Ambry Variant Classification Scheme 2023. Collection method: clinical testing. Allele origin: germline.

Center for Genomic Medicine, Rigshospitalet, Copenhagen University Hospital
Classification: Uncertain significance. Last evaluated: 2025-12-29. Review status: criteria provided, single submitter. Criteria: ACMG Guidelines, 2015. Collection method: clinical testing. Allele origin: germline.

Color Diagnostics, LLC DBA Color Health
Classification: Uncertain significance for Hereditary cancer-predisposing syndrome. Last evaluated: 2024-12-17. Review status: criteria provided, single submitter. Criteria: ACMG Guidelines, 2015. Collection method: clinical testing. Allele origin: germline.
Comment: This missense variant replaces valine with isoleucine at codon 345 of the CDH1 protein. To our knowledge, functional studies have not been reported for this variant. This variant has not been reported in individuals affected with CDH1-related disorders in the literature. This variant has been identified in 4/1614204 chromosomes in the general population by the Genome Aggregation aDatabase (gnomAD). The available evidence is insufficient to determine the role of this variant in disease conclusively. Therefore, this variant is classified as a Variant of Uncertain Significance.

Labcorp Genetics (formerly Invitae), Labcorp
Classification: Uncertain significance for Hereditary diffuse gastric adenocarcinoma. Last evaluated: 2024-05-06. Review status: criteria provided, single submitter. Criteria: Invitae Variant Classification Sherloc (09022015). Collection method: clinical testing. Allele origin: germline.
Comment: This sequence change replaces valine, which is neutral and non-polar, with isoleucine, which is neutral and non-polar, at codon 345 of the CDH1 protein (p.Val345Ile). This variant is present in population databases (rs764532067, gnomAD 0.003%). This variant has not been reported in the literature in individuals affected with CDH1-related conditions. ClinVar contains an entry for this variant (Variation ID: 483247). Algorithms developed to predict the effect of missense changes on protein structure and function output the following: SIFT: "Not Available"; PolyPhen-2: "Benign"; Align-GVGD: "Not Available". The isoleucine amino acid residue is found in multiple mammalian species, which suggests that this missense change does not adversely affect protein function. In summary, the available evidence is currently insufficient to determine the role of this variant in disease. Therefore, it has been classified as a Variant of Uncertain Significance.

NM_004360.5(CDH1):c.1033G>A (p.Val345Ile)

Gene: CDH1 (cadherin 1; plus strand). Cytogenetic location: 16q22.1.
Variant type: single nucleotide variant.
Coding change: c.1033G>A on transcript NM_004360.5 (MANE Select); coding-DNA position 1033, G replaced by A.
Protein change: p.Val345Ile; replaces valine 345 with isoleucine.
Molecular consequence: missense variant. On other transcripts: 5 prime UTR variant (2).
Genome position (GRCh38, 1-based): chr16:68,812,159, G>A. VCF-style: chr16-68812159-G-A. GRCh37 (hg19) VCF-style: chr16-68846062-G-A.
Other names: c.1033G>A (LRG_301t1); c.1033G>A, p.Val345Ile (NM_001317184.2); c.-583G>A (NM_001317185.2); c.-787G>A (NM_001317186.2); short protein forms V345I.
Identifiers: ClinVar variation 483247 (VCV000483247.20), dbSNP rs764532067, ClinGen allele CA8129990.